The following is an entry in ClinVar:

NM_002439.5(MSH3):c.3119A>C (p.Lys1040Thr)

Gene: MSH3 (mutS homolog 3; plus strand). Cytogenetic location: 5q14.1.
Variant type: single nucleotide variant.
Coding change: c.3119A>C on transcript NM_002439.5 (MANE Select); coding-DNA position 3119, A replaced by C.
Protein change: p.Lys1040Thr; replaces lysine 1040 with threonine.
Molecular consequence: missense variant.
Genome position (GRCh38, 1-based): chr5:80,864,931, A>C. VCF-style: chr5-80864931-A-C. GRCh37 (hg19) VCF-style: chr5-80160750-A-C.
Other names: short protein forms K1040T.
Identifiers: ClinVar variation 1727824 (VCV001727824.2), dbSNP rs2478789411, ClinGen allele CA360346480.
Genomic context (GRCh38, chr5:80,864,931, plus strand): 5'-ATTACTCACACCAGGTGGGGAATTACCACATGGGATTCTTGGTCAGTGAGGATGAAAGCA[A>C]ACTGGATCCAGGTATGAAATATTCCTGCAGTTGGTACAAATATTGGTTTTCATGTTTGAT-3'
Protein context (NP_002430.3, residues 1030-1050): MGFLVSEDES[Lys1040Thr]LDPGAAEQVP

ClinVar aggregate classification (germline): Uncertain significance (1 of 4 stars; one submission).

Conditions:
Hereditary cancer-predisposing syndrome. Also called: Tumor predisposition; Neoplastic Syndromes, Hereditary; Hereditary Cancer Syndrome; Hereditary neoplastic syndrome. Identifiers: Orphanet 140162, MedGen C0027672, MeSH D009386, MONDO:0015356.

Submission:

Ambry Genetics
Classification: Uncertain significance for Hereditary cancer-predisposing syndrome. Last evaluated: 2022-07-10. Review status: criteria provided, single submitter. Criteria: Ambry Variant Classification Scheme 2023. Collection method: clinical testing. Allele origin: germline.
Comment: The p.K1040T variant (also known as c.3119A>C), located in coding exon 22 of the MSH3 gene, results from an A to C substitution at nucleotide position 3119. The lysine at codon 1040 is replaced by threonine, an amino acid with similar properties. This amino acid position is conserved. In addition, this alteration is predicted to be tolerated by in silico analysis. Since supporting evidence is limited at this time, the clinical significance of this alteration remains unclear.